The following is an entry in ClinVar:

NM_001291415.2(KDM6A):c.2629A>G (p.Thr877Ala)

Gene: KDM6A (lysine demethylase 6A; plus strand). Cytogenetic location: Xp11.3.
Variant type: single nucleotide variant.
Coding change: c.2629A>G on transcript NM_001291415.2 (MANE Select); coding-DNA position 2629, A replaced by G.
Protein change: p.Thr877Ala; replaces threonine 877 with alanine.
Molecular consequence: missense variant. On other transcripts: non-coding transcript variant (1).
Genome position (GRCh38, 1-based): chrX:45,070,128, A>G. VCF-style: chrX-45070128-A-G. GRCh37 (hg19) VCF-style: chrX-44929373-A-G.
Other names: c.2494A>G, p.Thr832Ala (NM_001291416.2); c.2338A>G, p.Thr780Ala (NM_001291417.2); c.2236A>G, p.Thr746Ala (NM_001291418.2); c.1585A>G, p.Thr529Ala (NM_001291421.2); c.2473A>G, p.Thr825Ala (NM_021140.4); short protein forms T780A, T832A, T529A, T746A, T825A, T877A.
Identifiers: ClinVar variation 640293 (VCV000640293.12), dbSNP rs140562248, ClinGen allele CA329050312.

ClinVar aggregate classification (germline): Conflicting classifications of pathogenicity. Review status: criteria provided, conflicting classifications (1 of 4 stars). 3 submissions from 3 submitters: Uncertain significance (2); Likely benign (1). Last evaluated 2024-05-16.

Conditions:
Kabuki syndrome 2 (KABUK2). Also called: KDM6A-Related Kabuki Syndrome. Identifiers: Orphanet 2322, MedGen C3275495, MONDO:0010465, OMIM 300867.

Allele frequency attached by ClinVar (database versions not stated): gnomAD exomes 0.00001; TOPMed 0.00001; gnomAD 0.00002; ESP Exome Variant Server 0.00009.

Submissions (4):

Labcorp Genetics (formerly Invitae), Labcorp
Classification: Likely benign for Kabuki syndrome 2. Last evaluated: 2024-05-16. Review status: criteria provided, single submitter. Criteria: Invitae Variant Classification Sherloc (09022015). Collection method: clinical testing. Allele origin: germline.

Blueprint Genetics
Classification: Uncertain significance. Last evaluated: 2023-01-31. Review status: criteria provided, single submitter. Criteria: ACMG Guidelines, 2015. Collection method: clinical testing. Allele origin: germline.

GeneDx
Classification: Uncertain significance. Last evaluated: 2021-11-08. Review status: criteria provided, single submitter. Criteria: GeneDx Variant Classification Process June 2021. Collection method: clinical testing. Allele origin: germline. Affected: yes.
Comment: In silico analysis supports that this missense variant has a deleterious effect on protein structure/function; Has not been previously published as pathogenic or benign to our knowledge

Dr. Peter K. Rogan Lab, Western University
No classification provided (evidence only). Condition: Nonpapillary renal cell carcinoma. Review status: no classification provided. Collection method: in vitro. Allele origin: not applicable. Functional consequence: retained intron. Not counted in ClinVar's aggregate classification.